The following is an entry in ClinVar:

ClinVar aggregate classification (germline): Uncertain significance (1 of 4 stars; one submission).

Conditions:
Costello syndrome (CSTLO). Also called: HRAS-Related Costello Syndrome; FCS SYNDROME; FACIOCUTANEOSKELETAL SYNDROME. Identifiers: Orphanet 3071, MedGen C0587248, MONDO:0009026, OMIM 218040.

gnomAD v4.1: 12 of 1,613,042 alleles (0.00074%); highest among the groups gnomAD compares: Middle Eastern, 0.016%; no homozygotes.

Submission:

Labcorp Genetics (formerly Invitae), Labcorp
Classification: Uncertain significance for Costello syndrome. Last evaluated: 2025-06-17. Review status: criteria provided, single submitter. Criteria: Invitae Variant Classification Sherloc (09022015). Collection method: clinical testing. Allele origin: germline.
Comment: This sequence change falls in intron 3 of the HRAS gene. It does not directly change the encoded amino acid sequence of the HRAS protein. This variant is present in population databases (no rsID available, gnomAD 0.006%). This variant has not been reported in the literature in individuals affected with HRAS-related conditions. ClinVar contains an entry for this variant (Variation ID: 647934). Algorithms developed to predict the effect of sequence changes on RNA splicing suggest that this variant may disrupt the consensus splice site. In summary, the available evidence is currently insufficient to determine the role of this variant in disease. Therefore, it has been classified as a Variant of Uncertain Significance.

NM_005343.4(HRAS):c.290+9C>G

Genes: LRRC56 (leucine rich repeat containing 56; plus strand), HRAS (HRas proto-oncogene, GTPase; minus strand). Cytogenetic location: 11p15.5.
Variant type: single nucleotide variant.
Coding change: c.290+9C>G on transcript NM_005343.4 (MANE Select); 9 bases into the intron after coding-DNA position 290, C replaced by G.
Molecular consequence: intron variant.
Genome position (GRCh38, 1-based): chr11:533,757, G>C on the plus strand (C>G on the coding strand, the complement: HRAS is on the minus strand). VCF-style: chr11-533757-G-C. GRCh37 (hg19) VCF-style: chr11-533757-G-C.
Other names: c.290+9C>G (NM_001130442.3, NM_176795.5); c.-30+9C>G (NM_001318054.2).
Identifiers: ClinVar variation 647934 (VCV000647934.11), dbSNP rs747854581, ClinGen allele CA216882862.